The following is an entry in ClinVar:

ClinVar aggregate classification (germline): Uncertain significance (1 of 4 stars; one submission).

Submission:

Labcorp Genetics (formerly Invitae), Labcorp
Classification: Uncertain significance. Last evaluated: 2022-05-30. Review status: criteria provided, single submitter. Criteria: Invitae Variant Classification Sherloc (09022015). Collection method: clinical testing. Allele origin: germline.
Comment: This variant has not been reported in the literature in individuals affected with SULF1-related conditions. This variant is not present in population databases (gnomAD no frequency). This sequence change replaces lysine, which is basic and polar, with asparagine, which is neutral and polar, at codon 405 of the SULF1 protein (p.Lys405Asn). Algorithms developed to predict the effect of missense changes on protein structure and function are either unavailable or do not agree on the potential impact of this missense change (SIFT: "Deleterious"; PolyPhen-2: "Benign"; Align-GVGD: "Class C0"). In summary, the available evidence is currently insufficient to determine the role of this variant in disease. Therefore, it has been classified as a Variant of Uncertain Significance.

NM_001128205.2(SULF1):c.1215A>T (p.Lys405Asn)

Gene: SULF1 (sulfatase 1; plus strand). Cytogenetic location: 8q13.3.
Variant type: single nucleotide variant.
Coding change: c.1215A>T on transcript NM_001128205.2 (MANE Select); coding-DNA position 1215, A replaced by T.
Protein change: p.Lys405Asn; replaces lysine 405 with asparagine.
Molecular consequence: missense variant. On other transcripts: non-coding transcript variant (3).
Genome position (GRCh38, 1-based): chr8:69,603,624, A>T. VCF-style: chr8-69603624-A-T. GRCh37 (hg19) VCF-style: chr8-70515859-A-T.
Other names: c.1215A>T, p.Lys405Asn (NM_001412833.1, NM_001412834.1, NM_001412835.1 and 13 more transcripts); c.1086A>T, p.Lys362Asn (NM_001412838.1, NM_001412839.1, NM_001412840.1 and 1 more transcripts); c.1029A>T, p.Lys343Asn (NM_001412841.1, NM_001412842.1); c.615A>T, p.Lys205Asn (NM_001412844.1, NM_001412845.1); c.-561A>T (NM_001412846.1); short protein forms K405N, K205N, K343N, K362N.
Identifiers: ClinVar variation 2064371 (VCV002064371.4), dbSNP rs2130413652, ClinGen allele CA371226926.